The following is an entry in ClinVar:

NM_000540.3(RYR1):c.2060_2061del (p.Leu687fs)

Gene: RYR1 (ryanodine receptor 1; plus strand). Cytogenetic location: 19q13.2.
Variant type: Deletion.
Coding change: c.2060_2061del on transcript NM_000540.3 (MANE Select); coding-DNA positions 2060 to 2061, 2 bases deleted (TC; older notation c.2060_2061delTC).
Protein change: p.Leu687fs; shifts the reading frame from leucine 687.
Molecular consequence: frameshift variant.
Genome position (GRCh38, 1-based): chr19:38,458,185-38,458,186, TC deleted; deleting any 2 consecutive bases within chr19:38,458,184-38,458,186 gives the same sequence; the c. name uses the placement nearest the transcript's 3' end. VCF-style (leftmost placement, unchanged base first): chr19-38458183-CCT-C. GRCh37 (hg19) VCF-style: chr19-38948823-CCT-C.
Other names: c.2060_2061del, p.Leu687fs (NM_001042723.2); short protein forms L687fs.
Identifiers: ClinVar variation 942606 (VCV000942606.9), dbSNP rs1967521908, ClinGen allele CA1139666431.

ClinVar aggregate classification (germline): Pathogenic (1 of 4 stars; one submission).

Conditions:
RYR1-related disorder. Also called: RYR1-related disorders; RYR1-related condition. Identifiers: MedGen CN239331.

Submission:

Labcorp Genetics (formerly Invitae), Labcorp
Classification: Pathogenic for RYR1-related disorder. Last evaluated: 2022-02-09. Review status: criteria provided, single submitter. Criteria: Invitae Variant Classification Sherloc (09022015). Collection method: clinical testing. Allele origin: germline.
Comment: This sequence change creates a premature translational stop signal (p.Leu687Hisfs*22) in the RYR1 gene. It is expected to result in an absent or disrupted protein product. Loss-of-function variants in RYR1 are known to be pathogenic (PMID: 20583297, 20839240, 23919265, 28818389). This variant is not present in population databases (gnomAD no frequency). This premature translational stop signal has been observed in individual(s) with autosomal recessive congenital myopathy (PMID: 20839240). It has also been observed to segregate with disease in related individuals. ClinVar contains an entry for this variant (Variation ID: 942606). For these reasons, this variant has been classified as Pathogenic.

Literature cited by the submitters: PubMed 20583297; PubMed 20839240; PubMed 23919265; PubMed 28818389.